The following is an entry in ClinVar:

NM_001267550.2(TTN):c.59341C>T (p.Leu19781Phe)

Genes: TTN (titin; minus strand), TTN-AS1 (TTN antisense RNA 1; plus strand), LOC126806424 (CDK7 strongly-dependent group 2 enhancer GRCh37_chr2:179456337-179457536; plus strand). Cytogenetic location: 2q31.2.
Variant type: single nucleotide variant.
Coding change: c.59341C>T on transcript NM_001267550.2 (MANE Select); coding-DNA position 59341, C replaced by T.
Protein change: p.Leu19781Phe; replaces leucine 19781 with phenylalanine.
Molecular consequence: missense variant.
Genome position (GRCh38, 1-based): chr2:178,592,778, G>A on the plus strand (C>T on the coding strand, the complement: TTN is on the minus strand). VCF-style: chr2-178592778-G-A. GRCh37 (hg19) VCF-style: chr2-179457505-G-A.
Other names: c.54418C>T, p.Leu18140Phe (NM_001256850.1); c.32146C>T, p.Leu10716Phe (NM_003319.4); c.51637C>T, p.Leu17213Phe (NM_133378.4); c.32521C>T, p.Leu10841Phe (NM_133432.3); c.32722C>T, p.Leu10908Phe (NM_133437.4); short protein forms L17213F, L19781F, L10716F, L18140F, L10841F, L10908F.
Identifiers: ClinVar variation 289524 (VCV000289524.9), dbSNP rs555577161, ClinGen allele CA1992686.

ClinVar aggregate classification (germline): Conflicting classifications of pathogenicity. Review status: criteria provided, conflicting classifications (1 of 4 stars). 6 submissions from 2 submitters: Uncertain significance (4); Benign (2). Last evaluated 2018-01-13.

Conditions:
Autosomal recessive limb-girdle muscular dystrophy type 2J (LGMDR10). Also called: Limb-girdle muscular dystrophy, type 2J; MUSCULAR DYSTROPHY, LIMB-GIRDLE, AUTOSOMAL RECESSIVE 10. Identifiers: Orphanet 140922, MedGen C1837342, MONDO:0012127, OMIM 608807.
Myopathy, myofibrillar, 9, with early respiratory failure (MFM9). Also called: Hereditary myopathy with early respiratory failure; EDSTROM MYOPATHY; MYOPATHY, PROXIMAL, WITH EARLY RESPIRATORY MUSCLE INVOLVEMENT; Myopathy, distal, with early respiratory failure, autosomal dominant. Identifiers: Orphanet 178464, Orphanet 34521, MedGen C1863599, MONDO:0011362, OMIM 603689.
Early-onset myopathy with fatal cardiomyopathy (CMYO5). Also called: Salih Myopathy; CONGENITAL MYOPATHY 5 WITH CARDIOMYOPATHY. Identifiers: Orphanet 289377, MedGen C2673677, MONDO:0012714, OMIM 611705. Disease mechanism: loss of function.
Dilated cardiomyopathy 1G (CMD1G). Identifiers: Orphanet 154, MedGen C1858763, MONDO:0011400, OMIM 604145.
Tibial muscular dystrophy (TMD). Also called: Tibial muscular dystrophy, tardive; UDD MYOPATHY; Udd Distal Myopathy – Tibial Muscular Dystrophy. Identifiers: Orphanet 609, MedGen C1838244, MONDO:0010870, OMIM 600334.

Allele frequency attached by ClinVar (database versions not stated): gnomAD 0.00002; gnomAD exomes 0.00006; ExAC 0.00007; 1000 Genomes Project 30x 0.00047; 1000 Genomes Project 0.00060.
gnomAD v4.1: 19 of 1,613,332 alleles (0.0012%); highest among the groups gnomAD compares: South Asian, 0.018%; no homozygotes.

Submissions (6):

Illumina Laboratory Services, Illumina
Classification: Uncertain significance for Early-onset myopathy with fatal cardiomyopathy. Last evaluated: 2018-01-13. Review status: criteria provided, single submitter. Criteria: ICSL Variant Classification Criteria 13 December 2019. Collection method: clinical testing. Allele origin: germline.

Illumina Laboratory Services, Illumina
Classification: Benign for Tibial muscular dystrophy. Last evaluated: 2018-01-13. Review status: criteria provided, single submitter. Criteria: ICSL Variant Classification Criteria 13 December 2019. Collection method: clinical testing. Allele origin: germline.
Comment: This variant was observed in the ICSL laboratory as part of a predisposition screen in an ostensibly healthy population. It had not been previously curated by ICSL or reported in the Human Gene Mutation Database (HGMD: prior to June 1st, 2018), and was therefore a candidate for classification through an automated scoring system. Utilizing variant allele frequency, disease prevalence and penetrance estimates, and inheritance mode, an automated score was calculated to assess if this variant is too frequent to cause the disease. Based on the score and internal cut-off values, a variant classified as benign is not then subjected to further curation. The score for this variant resulted in a classification of benign for this disease.

Illumina Laboratory Services, Illumina
Classification: Uncertain significance for Dilated cardiomyopathy 1G. Last evaluated: 2018-01-13. Review status: criteria provided, single submitter. Criteria: ICSL Variant Classification Criteria 13 December 2019. Collection method: clinical testing. Allele origin: germline.

Illumina Laboratory Services, Illumina
Classification: Uncertain significance for Autosomal recessive limb-girdle muscular dystrophy type 2J. Last evaluated: 2018-01-13. Review status: criteria provided, single submitter. Criteria: ICSL Variant Classification Criteria 13 December 2019. Collection method: clinical testing. Allele origin: germline.

Illumina Laboratory Services, Illumina
Classification: Benign for Myopathy, myofibrillar, 9, with early respiratory failure. Last evaluated: 2018-01-13. Review status: criteria provided, single submitter. Criteria: ICSL Variant Classification Criteria 13 December 2019. Collection method: clinical testing. Allele origin: germline.
Comment: the same text as in the submission from Illumina Laboratory Services, Illumina above.

Eurofins Ntd Llc (ga)
Classification: Uncertain significance. Last evaluated: 2016-07-14. Review status: criteria provided, single submitter. Criteria: EGL Classification Definitions 2015. Collection method: clinical testing. Allele origin: germline.